The following is an entry in ClinVar:

ClinVar aggregate classification (germline): Conflicting classifications of pathogenicity. Review status: criteria provided, conflicting classifications (1 of 4 stars). 5 submissions from 5 submitters: Uncertain significance (3); Benign (1); Likely benign (1). Last evaluated 2025-11-12.

Conditions:
Inborn genetic diseases. Identifiers: MedGen C0950123, MeSH D030342.
Lymphatic malformation 6 (LMPHM6). Also called: PIEZO1-related generalized lymphatic dysplasia with non-immune hydrops fetalis; GENERALIZED LYMPHATIC DYSPLASIA OF FOTIOU; Lymphedema, hereditary, III. Identifiers: Orphanet 568062, MedGen C4225184, MONDO:0014797, OMIM 616843.
PIEZO1-related disorder. Also called: PIEZO1-Related Disorders; PIEZO1-related condition.

Allele frequency attached by ClinVar (database versions not stated): gnomAD exomes 0.00004; ExAC 0.00016; 1000 Genomes Project 30x 0.00031; gnomAD 0.00046; TOPMed 0.00049.
gnomAD v4.1: 128 of 1,550,332 alleles (0.0083%); highest among the groups gnomAD compares: African/African-American, 0.17%; no homozygotes.

Submissions (5):

PreventionGenetics, part of Exact Sciences
Classification: Likely benign for PIEZO1-related condition. Last evaluated: 2025-11-12. Review status: criteria provided, single submitter. Criteria: ACMG Guidelines, 2015. Collection method: clinical testing. Allele origin: germline.
Comment: This variant is classified as likely benign based on ACMG/AMP sequence variant interpretation guidelines (Richards et al. 2015 PMID: 25741868, with internal and published modifications).

Labcorp Genetics (formerly Invitae), Labcorp
Classification: Benign. Last evaluated: 2025-06-13. Review status: criteria provided, single submitter. Criteria: Invitae Variant Classification Sherloc (09022015). Collection method: clinical testing. Allele origin: germline.

Clinical Genomics Laboratory, Washington University in St. Louis
Classification: Uncertain significance for Lymphatic malformation 6. Last evaluated: 2025-02-13. Review status: criteria provided, single submitter. Criteria: ACMG Guidelines, 2015. Collection method: clinical testing. Allele origin: germline.
Comment: A PIEZO1 c.3923T>C (p.Leu1308Pro) variant was identified at a near heterozygous allelic fraction of 48.8%, a frequency which may be consistent with it being of germline origin. This variant, to our knowledge, has not been reported in the medical literature. This variant has been reported in the ClinVar database as a germline variant of uncertain significance by one submitter (ClinVar Variation ID: 2400383). It is only observed on 128/1,550,332 alleles in the general population (gnomAD v.4.1.0), indicating it is not a common variant. Computational predictors are uncertain as to the impact of this variant on PIEZO1 function. Due to limited information, and based on ACMG/AMP guidelines for variant interpretation (Richards S et al., PMID: 25741868), the clinical significance of the PIEZO1 c.3923T>C (p.Leu1308Pro) variant is uncertain at this time.

Revvity Omics, Revvity
Classification: Uncertain significance. Last evaluated: 2023-11-29. Review status: criteria provided, single submitter. Criteria: ACMG Guidelines, 2015. Collection method: clinical testing. Allele origin: germline.

Ambry Genetics
Classification: Uncertain significance for Inborn genetic diseases. Last evaluated: 2021-10-22. Review status: criteria provided, single submitter. Criteria: Ambry Variant Classification Scheme 2023. Collection method: clinical testing. Allele origin: germline.

NM_001142864.4(PIEZO1):c.3923T>C (p.Leu1308Pro)

Gene: PIEZO1 (piezo type mechanosensitive ion channel component 1 (Er blood group); minus strand). Cytogenetic location: 16q24.3.
Variant type: single nucleotide variant.
Coding change: c.3923T>C on transcript NM_001142864.4 (MANE Select); coding-DNA position 3923, T replaced by C.
Protein change: p.Leu1308Pro; replaces leucine 1308 with proline.
Molecular consequence: missense variant.
Genome position (GRCh38, 1-based): chr16:88,726,329, A>G on the plus strand (T>C on the coding strand, the complement: PIEZO1 is on the minus strand). VCF-style: chr16-88726329-A-G. GRCh37 (hg19) VCF-style: chr16-88792737-A-G.
Other names: c.3923T>C (NM_001142864.3); c.2465T>C, p.Leu822Pro (NM_014745.1); short protein forms L822P, L1308P.
Identifiers: ClinVar variation 2400383 (VCV002400383.7), dbSNP rs773006843, ClinGen allele CA8232311.